The following is an entry in ClinVar:

ClinVar aggregate classification (germline): Uncertain significance. Review status: criteria provided, multiple submitters, no conflicts (2 of 4 stars). 10 submissions from 10 submitters: Uncertain significance (6). 4 of the submissions do not count toward it. Last evaluated 2026-04-02.

Conditions:
TTN-related disorder. Also called: TTN-related condition; TTN-related disease; TTN-related disorders.
Dilated cardiomyopathy 1G (CMD1G). Identifiers: Orphanet 154, MedGen C1858763, MONDO:0011400, OMIM 604145.
Autosomal recessive limb-girdle muscular dystrophy type 2J (LGMDR10). Also called: Limb-girdle muscular dystrophy, type 2J; MUSCULAR DYSTROPHY, LIMB-GIRDLE, AUTOSOMAL RECESSIVE 10. Identifiers: Orphanet 140922, MedGen C1837342, MONDO:0012127, OMIM 608807.
Hypertrophic cardiomyopathy 9. Also called: Familial hypertrophic cardiomyopathy 9. Identifiers: MedGen C1861065, MONDO:0013412, OMIM 613765.
Early-onset myopathy with fatal cardiomyopathy (CMYO5). Also called: Salih Myopathy; CONGENITAL MYOPATHY 5 WITH CARDIOMYOPATHY. Identifiers: Orphanet 289377, MedGen C2673677, MONDO:0012714, OMIM 611705. Disease mechanism: loss of function.
Myopathy, myofibrillar, 9, with early respiratory failure (MFM9). Also called: MYOPATHY, PROXIMAL, WITH EARLY RESPIRATORY MUSCLE INVOLVEMENT; EDSTROM MYOPATHY; Hereditary myopathy with early respiratory failure; Myopathy, distal, with early respiratory failure, autosomal dominant. Identifiers: Orphanet 178464, Orphanet 34521, MedGen C1863599, MONDO:0011362, OMIM 603689.
Tibial muscular dystrophy (TMD). Also called: Tibial muscular dystrophy, tardive; UDD MYOPATHY; Udd Distal Myopathy – Tibial Muscular Dystrophy. Identifiers: Orphanet 609, MedGen C1838244, MONDO:0010870, OMIM 600334.

Allele frequency attached by ClinVar (database versions not stated): gnomAD 0.00001; ExAC 0.00003; gnomAD exomes 0.00003 and 0.00007; TOPMed 0.00003.
gnomAD v4.1: 100 of 1,610,354 alleles (0.0062%); highest among the groups gnomAD compares: Non-Finnish European, 0.0085%; no homozygotes.

Submissions (10):

PreventionGenetics, part of Exact Sciences
Classification: Uncertain significance for TTN-related condition. Last evaluated: 2026-04-02. Review status: criteria provided, single submitter. Criteria: ACMG Guidelines, 2015. Collection method: clinical testing. Allele origin: germline.
Comment: The TTN c.107723T>C variant is predicted to result in the amino acid substitution p.Ile35908Thr. This variant has been reported in an individual with hypertrophic cardiomyopathy who also carried additional cardiac variants that could explain the phenotype (Gaertner‑Rommel et al. 2019. PubMed ID: 31293105; Tiesmeier et al. 2021. PubMed ID: 34389451). It has also been reported in a cohort of individuals with noncompaction cardiomyopathy (Online Table 3, Waning et al. 2018. PubMed ID: 29447731). This variant is reported in 0.0063% of alleles in individuals of European (Non-Finnish) descent in gnomAD. At this time, the clinical significance of this variant is uncertain due to the absence of conclusive functional and genetic evidence.

Labcorp Genetics (formerly Invitae), Labcorp
Classification: Uncertain significance for Dilated cardiomyopathy 1G; Autosomal recessive limb-girdle muscular dystrophy type 2J. Last evaluated: 2026-02-04. Review status: criteria provided, single submitter. Criteria: Invitae Variant Classification Sherloc (09022015). Collection method: clinical testing. Allele origin: germline.
Comment: This sequence change replaces isoleucine, which is neutral and non-polar, with threonine, which is neutral and polar, at codon 35908 of the TTN protein (p.Ile35908Thr). This variant is present in population databases (rs769141222, gnomAD 0.006%). This variant has not been reported in the literature in individuals affected with TTN-related conditions. ClinVar contains an entry for this variant (Variation ID: 1007868). Experimental studies and prediction algorithms are not available or were not evaluated, and the functional significance of this variant is currently unknown. This variant is located in the M band of TTN (PMID: 25589632). Non-truncating variants in this region may be relevant for neuromuscular disorders, but have not been definitively shown to cause cardiomyopathy (PMID: 23975875). In summary, the available evidence is currently insufficient to determine the role of this variant in disease. Therefore, it has been classified as a Variant of Uncertain Significance.

Revvity Omics, Revvity
Classification: Uncertain significance. Last evaluated: 2025-06-19. Review status: criteria provided, single submitter. Criteria: ACMG Guidelines, 2015. Collection method: clinical testing. Allele origin: germline.

GeneDx
Classification: Uncertain significance. Last evaluated: 2022-01-31. Review status: criteria provided, single submitter. Criteria: GeneDx Variant Classification Process June 2021. Collection method: clinical testing. Allele origin: germline. Affected: yes.
Comment: Missense variant in a gene in which most reported pathogenic variants are truncating/loss-of-function; In silico analysis supports that this missense variant does not alter protein structure/function; This variant is associated with the following publications: (PMID: 31785789, 28135719, 28191890, 25533962)

Fulgent Genetics
Classification: Uncertain significance for Tibial muscular dystrophy; Myopathy, myofibrillar, 9, with early respiratory failure; Dilated cardiomyopathy 1G; Autosomal recessive limb-girdle muscular dystrophy type 2J; Early-onset myopathy with fatal cardiomyopathy; Hypertrophic cardiomyopathy 9. Last evaluated: 2021-12-28. Review status: criteria provided, single submitter. Criteria: ACMG Guidelines, 2015. Collection method: clinical testing. Allele origin: unknown.

Athena Diagnostics
Classification: Uncertain significance. Last evaluated: 2021-07-29. Review status: criteria provided, single submitter. Criteria: Athena Diagnostics Criteria. Collection method: clinical testing. Allele origin: unknown.

Clinical Genetics DNA and cytogenetics Diagnostics Lab, Erasmus MC, Erasmus Medical Center
Classification: Uncertain significance. Review status: no assertion criteria provided. Collection method: clinical testing. Allele origin: germline. Affected: yes. Study: VKGL Data-share Consensus. Not counted in ClinVar's aggregate classification.

Clinical Genetics, Academic Medical Center
Classification: Uncertain significance. Review status: no assertion criteria provided. Collection method: clinical testing. Allele origin: germline. Affected: yes. Study: VKGL Data-share Consensus. Not counted in ClinVar's aggregate classification.

Diagnostic Laboratory, Department of Genetics, University Medical Center Groningen
Classification: Uncertain significance. Review status: no assertion criteria provided. Collection method: clinical testing. Allele origin: germline. Affected: yes. Study: VKGL Data-share Consensus. Not counted in ClinVar's aggregate classification.

Laboratory of Diagnostic Genome Analysis, Leiden University Medical Center (LUMC)
Classification: Uncertain significance. Review status: no assertion criteria provided. Collection method: clinical testing. Allele origin: germline. Affected: yes. Study: VKGL Data-share Consensus. Not counted in ClinVar's aggregate classification.

Literature cited by the submitters: PubMed 25589632 (cited by Labcorp Genetics (formerly Invitae), Labcorp); PubMed 23975875 (cited by Labcorp Genetics (formerly Invitae), Labcorp); PubMed 28135719 (cited by Athena Diagnostics).

NM_001267550.2(TTN):c.107723T>C (p.Ile35908Thr)

Genes: TTN (titin; minus strand), TTN-AS1 (TTN antisense RNA 1; plus strand). Cytogenetic location: 2q31.2.
Variant type: single nucleotide variant.
Coding change: c.107723T>C on transcript NM_001267550.2 (MANE Select); coding-DNA position 107723, T replaced by C.
Protein change: p.Ile35908Thr; replaces isoleucine 35908 with threonine.
Molecular consequence: missense variant.
Genome position (GRCh38, 1-based): chr2:178,527,265, A>G on the plus strand (T>C on the coding strand, the complement: TTN is on the minus strand). VCF-style: chr2-178527265-A-G. GRCh37 (hg19) VCF-style: chr2-179391992-A-G.
Other names: c.102800T>C, p.Ile34267Thr (NM_001256850.1); c.80528T>C, p.Ile26843Thr (NM_003319.4); c.100019T>C, p.Ile33340Thr (NM_133378.4); c.80903T>C, p.Ile26968Thr (NM_133432.3); c.81104T>C, p.Ile27035Thr (NM_133437.4); short protein forms I26843T, I26968T, I27035T, I33340T, I34267T, I35908T.
Identifiers: ClinVar variation 1007868 (VCV001007868.21), dbSNP rs769141222, ClinGen allele CA1984887.